The following is an entry in ClinVar:

ClinVar aggregate classification (germline): Uncertain significance (1 of 4 stars; one submission).

Conditions:
Cystic fibrosis (CF). Also called: MUCOVISCIDOSIS. Identifiers: Orphanet 586, MedGen C0010674, MONDO:0009061, OMIM 219700. Disease mechanism: loss of function.

Submission:

Labcorp Genetics (formerly Invitae), Labcorp
Classification: Uncertain significance for Cystic fibrosis. Last evaluated: 2023-09-09. Review status: criteria provided, single submitter. Criteria: Invitae Variant Classification Sherloc (09022015). Collection method: clinical testing. Allele origin: germline.
Comment: This sequence change replaces glutamic acid, which is acidic and polar, with lysine, which is basic and polar, at codon 695 of the CFTR protein (p.Glu695Lys). This variant is not present in population databases (gnomAD no frequency). This variant has not been reported in the literature in individuals affected with CFTR-related conditions. Advanced modeling of protein sequence and biophysical properties (such as structural, functional, and spatial information, amino acid conservation, physicochemical variation, residue mobility, and thermodynamic stability) performed at Invitae indicates that this missense variant is not expected to disrupt CFTR protein function. In summary, the available evidence is currently insufficient to determine the role of this variant in disease. Therefore, it has been classified as a Variant of Uncertain Significance.

NM_000492.4(CFTR):c.2083G>A (p.Glu695Lys)

Gene: CFTR (CF transmembrane conductance regulator; plus strand). Cytogenetic location: 7q31.2.
Variant type: single nucleotide variant.
Coding change: c.2083G>A on transcript NM_000492.4 (MANE Select); coding-DNA position 2083, G replaced by A.
Protein change: p.Glu695Lys; replaces glutamic acid 695 with lysine.
Molecular consequence: missense variant.
Genome position (GRCh38, 1-based): chr7:117,592,250, G>A. VCF-style: chr7-117592250-G-A. GRCh37 (hg19) VCF-style: chr7-117232304-G-A.
Other names: short protein forms E695K.
Identifiers: ClinVar variation 2883143 (VCV002883143.3), dbSNP rs2485109900, ClinGen allele CA368979603.
Genomic context (GRCh38, chr7:117,592,250, plus strand): 5'-GCTCCTGTCTCCTGGACAGAAACAAAAAAACAATCTTTTAAACAGACTGGAGAGTTTGGG[G>A]AAAAAAGGAAGAATTCTATTCTCAATCCAATCAACTCTATACGAAAATTTTCCATTGTGC-3'
Protein context (NP_000483.3, residues 685-705): QSFKQTGEFG[Glu695Lys]KRKNSILNPI